The following is an entry in ClinVar:

ClinVar aggregate classification (germline): Uncertain significance (1 of 4 stars; one submission).

Conditions:
AFF4-related disorder. Also called: AFF4-related condition.

gnomAD v4.1: 1 of 1,614,076 alleles (0.000062%); highest among the groups gnomAD compares: Non-Finnish European, 0.000085%; no homozygotes.

Submission:

PreventionGenetics, part of Exact Sciences
Classification: Uncertain significance for AFF4-related condition. Last evaluated: 2025-09-08. Review status: criteria provided, single submitter. Criteria: ACMG Guidelines, 2015. Collection method: clinical testing. Allele origin: germline.
Comment: The AFF4 c.3208T>C variant is predicted to result in the amino acid substitution p.Ser1070Pro. To our knowledge, this variant has not been reported in the literature or in a large population database (gnomAD), indicating this variant is rare. At this time, the clinical significance of this variant is uncertain due to the absence of conclusive functional and genetic evidence.

NM_014423.4(AFF4):c.3208T>C (p.Ser1070Pro)

Gene: AFF4 (ALF transcription elongation factor 4; minus strand). Cytogenetic location: 5q31.1.
Variant type: single nucleotide variant.
Coding change: c.3208T>C on transcript NM_014423.4 (MANE Select); coding-DNA position 3208, T replaced by C.
Protein change: p.Ser1070Pro; replaces serine 1070 with proline.
Molecular consequence: missense variant.
Genome position (GRCh38, 1-based): chr5:132,883,496, A>G on the plus strand (T>C on the coding strand, the complement: AFF4 is on the minus strand). VCF-style: chr5-132883496-A-G. GRCh37 (hg19) VCF-style: chr5-132219188-A-G.
Other names: short protein forms S1070P.
Identifiers: ClinVar variation 4996189 (VCV004996189.1).